The following is an entry in ClinVar:

NM_000138.5(FBN1):c.5021G>T (p.Cys1674Phe)

Gene: FBN1 (fibrillin 1; minus strand). Cytogenetic location: 15q21.1.
Variant type: single nucleotide variant.
Coding change: c.5021G>T on transcript NM_000138.5 (MANE Select); coding-DNA position 5021, G replaced by T.
Protein change: p.Cys1674Phe; replaces cysteine 1674 with phenylalanine.
Molecular consequence: missense variant.
Genome position (GRCh38, 1-based): chr15:48,463,943, C>A on the plus strand (G>T on the coding strand, the complement: FBN1 is on the minus strand). VCF-style: chr15-48463943-C-A. GRCh37 (hg19) VCF-style: chr15-48756140-C-A.
Other names: p.C1674F:TGT>TTT; short protein forms C1674F.
Identifiers: ClinVar variation 200058 (VCV000200058.2), dbSNP rs794728233, ClinGen allele CA015558.
Genomic context (GRCh38, chr15:48,463,943, plus strand): 5'-AAAAGCTTGGACTTACCCATGCAATTATTTCCCCCATTCACTTGCATGTAGTCTGGAGGA[C>A]AGATACAGGTGTAGTTGCCAACGGTGTTGTAACATGTCCCTGGACCACAGATTCCAGGAG-3'
Protein context (NP_000129.3, residues 1664-1684): YNTVGNYTCI[Cys1674Phe]PPDYMQVNGG

ClinVar aggregate classification (germline): Pathogenic (1 of 4 stars; one submission).

Submission:

GeneDx
Classification: Pathogenic. Last evaluated: 2014-03-27. Review status: criteria provided, single submitter. Criteria: GeneDx Variant Classification (06012015). Collection method: clinical testing. Allele origin: germline. Affected: yes.
Comment: p.Cys1674Phe (TGT>TTT): c.5021 G>T in exon 41 of the FBN1 gene (NM_000138.4)The C1674F mutation in the FBN1 gene has not been reported previously as a disease-causing mutation or as a benign polymorphism. Mutations in this same residue (C1674Y, C1674G) and in nearby residues (C1672R, C1672F, C1672S, C1672Y) have been reported in association with Marfan syndrome, supporting the functional importance of this residue and this region of the protein. C1674F is a non-conservative amino acid substitution as these residues differ in polarity, charge, size and/or other properties and is more likely to impact secondary structure. The C1674 residue is conserved across species. In silico analysis predicts C1674F is damaging to the protein structure/function. Furthermore, C1674F was not observed in approximately 6500 individuals of European and African American ancestry in the NHLBI Exome Sequencing Project, indicating it is not a common benign variant in these populations.In summary, C1674F in the FBN1 gene is interpreted as a disease-causing mutation.The variant is found in TAAD panel(s).